The following is an entry in ClinVar:

NM_003002.4(SDHD):c.173del (p.Gly58fs)

Gene: SDHD (succinate dehydrogenase complex subunit D; plus strand). Cytogenetic location: 11q23.1.
Variant type: Deletion.
Coding change: c.173del on transcript NM_003002.4 (MANE Select); coding-DNA position 173, one base deleted (G; older notation c.173delG).
Protein change: p.Gly58fs; shifts the reading frame from glycine 58.
Molecular consequence: frameshift variant. On other transcripts: non-coding transcript variant (1), intron variant (1).
Genome position (GRCh38, 1-based): chr11:112,088,870, G deleted; the last of 2 consecutive G bases (chr11:112,088,869-112,088,870); deleting either gives the same sequence. VCF-style (leftmost placement, unchanged base first): chr11-112088868-TG-T. GRCh37 (hg19) VCF-style: chr11-111959592-TG-T.
Other names: c.56del, p.Gly19fs (NM_001276504.2); c.173del, p.Gly58fs (NM_001276506.2); c.169+897del (NM_001276503.2); c.173delG (NM_003002.2); short protein forms G58fs, G19fs.
Identifiers: ClinVar variation 239461 (VCV000239461.10), dbSNP rs878854590, ClinGen allele CA10582869.

ClinVar aggregate classification (germline): Pathogenic. Review status: criteria provided, multiple submitters, no conflicts (2 of 4 stars). 3 submissions from 2 submitters: Pathogenic (3). Last evaluated 2023-06-16.

Conditions:
Paragangliomas with sensorineural hearing loss. Identifiers: MedGen C1868633.
Pheochromocytoma. Also called: MAX-Related Hereditary Paraganglioma-Pheochromocytoma Syndrome. Identifiers: Orphanet 29072, MedGen C0031511, MONDO:0008233, OMIM 171300, HP:0002666.
Carney-Stratakis syndrome. Also called: PARAGANGLIOMA AND GASTROINTESTINAL STROMAL TUMOR. Identifiers: Orphanet 97286, MedGen C1847319, MONDO:0011740, OMIM 606864.
Cowden syndrome 3 (CWS3). Identifiers: Orphanet 201, MedGen CN166604, MONDO:0014045.
Pheochromocytoma/paraganglioma syndrome 1. Also called: Paragangliomas 1; Glomus tumors familial 1; Paraganglioma - glomus jugulare; PARAGANGLIOMAS, FAMILIAL NONCHROMAFFIN, 1; PGL 1; Paragangliomas familial 1. Identifiers: Orphanet 29072, MedGen C3494181, MONDO:0008192, OMIM 168000.
Hereditary cancer-predisposing syndrome. Also called: Neoplastic Syndromes, Hereditary; Tumor predisposition; Hereditary neoplastic syndrome; Hereditary Cancer Syndrome. Identifiers: Orphanet 140162, MedGen C0027672, MeSH D009386, MONDO:0015356.

Submissions (3):

Ambry Genetics
Classification: Pathogenic for Hereditary cancer-predisposing syndrome. Last evaluated: 2023-06-16. Review status: criteria provided, single submitter. Criteria: Ambry Variant Classification Scheme 2023. Collection method: clinical testing. Allele origin: germline.
Comment: The c.173delG pathogenic mutation, located in coding exon 3 of the SDHD gene, results from a deletion of one nucleotide at nucleotide position 173, causing a translational frameshift with a predicted alternate stop codon (p.G58Afs*28). A different alteration (c.171delT) resulting in the same frameshift has been reported in a cohort of individuals with personal and/or family histories of pheochromocytoma/paraganglioma (Andrews KA et al. J Med Genet, 2018 Jun;55:384-394). In addition to the clinical data presented in the literature, this alteration is expected to result in loss of function by premature protein truncation or nonsense-mediated mRNA decay. As such, this alteration is interpreted as a disease-causing mutation.

Labcorp Genetics (formerly Invitae), Labcorp
Classification: Pathogenic for Carney-Stratakis syndrome; Paragangliomas with sensorineural hearing loss; Pheochromocytoma. Last evaluated: 2016-03-08. Review status: criteria provided, single submitter. Criteria: Invitae Variant Classification Sherloc (09022015). Collection method: clinical testing. Allele origin: germline.
Comment: This sequence change deletes 1 nucleotide from exon 3 of the SDHD mRNA (c.173delG), causing a frameshift at codon 58. This creates a premature translational stop signal (p.Gly58Alafs*28) and is expected to result in an absent or disrupted protein product. While this particular variant has not been reported in the literature, truncating variants in SDHD are known to be pathogenic (PMID: 19802898, 19454582). For these reasons, this variant has been classified as Pathogenic.

Labcorp Genetics (formerly Invitae), Labcorp
Classification: Pathogenic for Carney-Stratakis syndrome; Paragangliomas with sensorineural hearing loss; Pheochromocytoma; Cowden syndrome 3. Last evaluated: 2016-03-08. Review status: criteria provided, single submitter. Criteria: Invitae Variant Classification Sherloc (09022015). Collection method: clinical testing. Allele origin: germline.
Comment: For these reasons, this variant has been classified as Pathogenic. While this particular variant has not been reported in the literature, truncating variants in SDHD are known to be pathogenic (PMID: 19802898, 19454582). This sequence change deletes 1 nucleotide from exon 3 of the SDHD mRNA (c.173delG), causing a frameshift at codon 58. This creates a premature translational stop signal (p.Gly58Alafs*28) and is expected to result in an absent or disrupted protein product.

Literature cited by the submitters: PubMed 29386252 (cited by Ambry Genetics); PubMed 19802898 (cited by Labcorp Genetics (formerly Invitae), Labcorp); PubMed 19454582 (cited by Labcorp Genetics (formerly Invitae), Labcorp).